The following is an entry in ClinVar:

NM_000336.3(SCNN1B):c.1139C>T (p.Thr380Ile)

Gene: SCNN1B (sodium channel epithelial 1 subunit beta; plus strand). Cytogenetic location: 16p12.2.
Variant type: single nucleotide variant.
Coding change: c.1139C>T on transcript NM_000336.3 (MANE Select); coding-DNA position 1139, C replaced by T.
Protein change: p.Thr380Ile; replaces threonine 380 with isoleucine.
Molecular consequence: missense variant. On other transcripts: intron variant (1).
Genome position (GRCh38, 1-based): chr16:23,371,870, C>T. VCF-style: chr16-23371870-C-T. GRCh37 (hg19) VCF-style: chr16-23383191-C-T.
Other names: c.1044+408C>T (NM_001410900.1); short protein forms T380I.
Identifiers: ClinVar variation 3632724 (VCV003632724.2).

ClinVar aggregate classification (germline): Uncertain significance (1 of 4 stars; one submission).

Submission:

Labcorp Genetics (formerly Invitae), Labcorp
Classification: Uncertain significance. Last evaluated: 2024-03-14. Review status: criteria provided, single submitter. Criteria: Invitae Variant Classification Sherloc (09022015). Collection method: clinical testing. Allele origin: germline.
Comment: This sequence change replaces threonine, which is neutral and polar, with isoleucine, which is neutral and non-polar, at codon 380 of the SCNN1B protein (p.Thr380Ile). This variant is not present in population databases (gnomAD no frequency). This variant has not been reported in the literature in individuals affected with SCNN1B-related conditions. Advanced modeling of protein sequence and biophysical properties (such as structural, functional, and spatial information, amino acid conservation, physicochemical variation, residue mobility, and thermodynamic stability) performed at Invitae indicates that this missense variant is not expected to disrupt SCNN1B protein function with a negative predictive value of 80%. In summary, the available evidence is currently insufficient to determine the role of this variant in disease. Therefore, it has been classified as a Variant of Uncertain Significance.